The following is an entry in ClinVar:

ClinVar aggregate classification (germline): Likely benign. Review status: criteria provided, multiple submitters, no conflicts (2 of 4 stars). 5 submissions from 5 submitters: Likely benign (4). 1 of the submissions does not count toward it. Last evaluated 2025-06-01.

Conditions:
CACNA1G-related disorder. Also called: CACNA1G-related disorders; CACNA1G-related condition.

Allele frequency attached by ClinVar (database versions not stated): ESP Exome Variant Server 0.00008; 1000 Genomes Project 0.00020; 1000 Genomes Project 30x 0.00031.
gnomAD v4.1: 395 of 1,610,958 alleles (0.025%); highest among the groups gnomAD compares: Non-Finnish European, 0.031%; no homozygotes.

Submissions (5):

CeGaT Center for Human Genetics Tuebingen
Classification: Likely benign. Last evaluated: 2025-06-01. Review status: criteria provided, single submitter. Criteria: CeGaT Center For Human Genetics Tuebingen Variant Classification Criteria Version 2. Collection method: clinical testing. Allele origin: germline. Affected: yes. Observed: 2 variant alleles.
Comment: CACNA1G: BP4, BP7

Laboratory of Genetics, Children's Clinical University Hospital Latvia
Classification: Likely benign. Last evaluated: 2025-02-16. Review status: criteria provided, single submitter. Criteria: ACMG Guidelines, 2015. Collection method: clinical testing. Allele origin: germline. Affected: yes.

Labcorp Genetics (formerly Invitae), Labcorp
Classification: Likely benign. Last evaluated: 2025-02-03. Review status: criteria provided, single submitter. Criteria: Invitae Variant Classification Sherloc (09022015). Collection method: clinical testing. Allele origin: germline.

Blueprint Genetics
Classification: Likely benign. Last evaluated: 2024-10-14. Review status: criteria provided, single submitter. Criteria: ACMG Guidelines, 2015. Collection method: clinical testing. Allele origin: germline.

PreventionGenetics, part of Exact Sciences
Classification: Likely benign for CACNA1G-related condition. Last evaluated: 2019-08-28. Review status: no assertion criteria provided. Collection method: clinical testing. Allele origin: germline. Not counted in ClinVar's aggregate classification.
Comment: This variant is classified as likely benign based on ACMG/AMP sequence variant interpretation guidelines (Richards et al. 2015 PMID: 25741868, with internal and published modifications).

NM_018896.5(CACNA1G):c.4785C>T (p.Ser1595=)

Gene: CACNA1G (calcium voltage-gated channel subunit alpha1 G; plus strand). Cytogenetic location: 17q21.33.
Variant type: single nucleotide variant.
Coding change: c.4785C>T on transcript NM_018896.5 (MANE Select); coding-DNA position 4785, C replaced by T.
Protein change: p.Ser1595=; no amino-acid change (serine 1595 retained).
Molecular consequence: synonymous variant. On other transcripts: non-coding transcript variant (5).
Genome position (GRCh38, 1-based): chr17:50,615,386, C>T. VCF-style: chr17-50615386-C-T. GRCh37 (hg19) VCF-style: chr17-48692747-C-T.
Other names: c.4731C>T, p.Ser1577= (NM_001256324.2, NM_001256328.2, NM_198386.3); c.4806C>T, p.Ser1602= (NM_001256325.2); c.4650C>T, p.Ser1550= (NM_001256326.2, NM_001256330.2); c.4785C>T, p.Ser1595= (NM_001256327.2, NM_001256333.2, NM_198384.3 and 1 more transcripts); c.4683C>T, p.Ser1561= (NM_001256329.2, NM_198376.3, NM_198379.3 and 2 more transcripts); c.4629C>T, p.Ser1543= (NM_001256331.2); c.4614C>T, p.Ser1538= (NM_001256332.2); c.4752C>T, p.Ser1584= (NM_001256334.2, NM_198377.3, NM_198378.3 and 1 more transcripts); and 6 more.
Identifiers: ClinVar variation 2198253 (VCV002198253.31), dbSNP rs370321624, ClinGen allele CA8653192.